The following is an entry in ClinVar:

NM_001042750.2(STAG2):c.2161G>A (p.Glu721Lys)

Gene: STAG2 (STAG2 cohesin complex component; plus strand). Cytogenetic location: Xq25.
Variant type: single nucleotide variant.
Coding change: c.2161G>A on transcript NM_001042750.2 (MANE Select); coding-DNA position 2161, G replaced by A.
Protein change: p.Glu721Lys; replaces glutamic acid 721 with lysine.
Molecular consequence: missense variant.
Genome position (GRCh38, 1-based): chrX:124,066,239, G>A. VCF-style: chrX-124066239-G-A. GRCh37 (hg19) VCF-style: chrX-123200089-G-A.
Other names: c.2161G>A, p.Glu721Lys (NM_001375372.1, NM_001375373.1, NM_001375374.1 and 23 more transcripts); short protein forms E721K.
Identifiers: ClinVar variation 4775374 (VCV004775374.1).

ClinVar aggregate classification (germline): Uncertain significance (1 of 4 stars; one submission).

gnomAD v4.1: 3 of 1,176,135 alleles (0.00026%); highest among the groups gnomAD compares: Non-Finnish European, 0.00034%; no homozygotes.

Submission:

Labcorp Genetics (formerly Invitae), Labcorp
Classification: Uncertain significance. Last evaluated: 2025-12-19. Review status: criteria provided, single submitter. Criteria: Invitae Variant Classification Sherloc (09022015). Collection method: clinical testing. Allele origin: germline.
Comment: This sequence change replaces glutamic acid, which is acidic and polar, with lysine, which is basic and polar, at codon 721 of the STAG2 protein (p.Glu721Lys). This variant is not present in population databases (gnomAD no frequency). This variant has not been reported in the literature in individuals affected with STAG2-related conditions. Invitae Evidence Modeling of protein sequence and biophysical properties (such as structural, functional, and spatial information, amino acid conservation, physicochemical variation, residue mobility, and thermodynamic stability) indicates that this missense variant is not expected to disrupt STAG2 protein function with a negative predictive value of 80%. In summary, the available evidence is currently insufficient to determine the role of this variant in disease. Therefore, it has been classified as a Variant of Uncertain Significance.